The following is an entry in ClinVar:

ClinVar aggregate classification (germline): Likely benign (1 of 4 stars; one submission).

Allele frequency attached by ClinVar (database versions not stated): TOPMed 0.00006; ESP Exome Variant Server 0.00008; gnomAD 0.00008; ExAC 0.00015.
gnomAD v4.1: 139 of 1,576,188 alleles (0.0088%); highest among the groups gnomAD compares: Middle Eastern, 0.085%; no homozygotes.

Submission:

CeGaT Center for Human Genetics Tuebingen
Classification: Likely benign. Last evaluated: 2022-11-01. Review status: criteria provided, single submitter. Criteria: CeGaT Center For Human Genetics Tuebingen Variant Classification Criteria Version 2. Collection method: clinical testing. Allele origin: germline. Affected: yes. Observed: 1 variant allele.
Comment: MTCL1: BP4, BP7

NM_001395333.1(MTCL1):c.2457C>T (p.His819=)

Gene: MTCL1 (microtubule crosslinking factor 1; plus strand). Cytogenetic location: 18p11.22.
Variant type: single nucleotide variant.
Coding change: c.2457C>T on transcript NM_001395333.1 (MANE Select); coding-DNA position 2457, C replaced by T.
Protein change: p.His819=; no amino-acid change (histidine 819 retained).
Molecular consequence: synonymous variant.
Genome position (GRCh38, 1-based): chr18:8,784,489, C>T. VCF-style: chr18-8784489-C-T. GRCh37 (hg19) VCF-style: chr18-8784487-C-T.
Other names: c.2457C>T, p.His819= (NM_001378205.1, NM_001378206.1, NM_001378207.1); c.1377C>T, p.His459= (NM_001395220.1, NM_015210.4).
Identifiers: ClinVar variation 2648555 (VCV002648555.24), dbSNP rs138167149, ClinGen allele CA8885842.